The following is an entry in ClinVar:

NM_004982.4(KCNJ8):c.37G>T (p.Val13Leu)

Genes: KCNJ8 (potassium inwardly rectifying channel subfamily J member 8; minus strand), KCNJ8-AS1 (KCNJ8 antisense RNA 1; plus strand). Cytogenetic location: 12p12.1.
Variant type: single nucleotide variant.
Coding change: c.37G>T on transcript NM_004982.4 (MANE Select); coding-DNA position 37, G replaced by T.
Protein change: p.Val13Leu; replaces valine 13 with leucine.
Molecular consequence: missense variant.
Genome position (GRCh38, 1-based): chr12:21,773,580, C>A on the plus strand (G>T on the coding strand, the complement: KCNJ8 is on the minus strand). VCF-style: chr12-21773580-C-A. GRCh37 (hg19) VCF-style: chr12-21926514-C-A.
Other names: short protein forms V13L.
Identifiers: ClinVar variation 3862876 (VCV003862876.1).

ClinVar aggregate classification (germline): Uncertain significance (1 of 4 stars; one submission).

Conditions:
Cardiovascular phenotype. Identifiers: MedGen CN230736.

gnomAD v4.1: 1 of 1,613,828 alleles (0.000062%); highest among the groups gnomAD compares: East Asian, 0.0022%; no homozygotes.

Submission:

Ambry Genetics
Classification: Uncertain significance for Cardiovascular phenotype. Last evaluated: 2025-02-06. Review status: criteria provided, single submitter. Criteria: Ambry Variant Classification Scheme 2023. Collection method: clinical testing. Allele origin: germline.
Comment: The p.V13L variant (also known as c.37G>T), located in coding exon 1 of the KCNJ8 gene, results from a G to T substitution at nucleotide position 37. The valine at codon 13 is replaced by leucine, an amino acid with highly similar properties. This amino acid position is conserved. In addition, this alteration is predicted to be tolerated by in silico analysis. Based on the available evidence, the clinical significance of this variant remains unclear.